The following is an entry in ClinVar:

NM_000051.4(ATM):c.7450dup (p.Val2484fs)

Genes: ATM (ATM serine/threonine kinase; plus strand), C11orf65 (chromosome 11 open reading frame 65; minus strand). Cytogenetic location: 11q22.3.
Variant type: Duplication.
Coding change: c.7450dup on transcript NM_000051.4 (MANE Select); coding-DNA position 7450, one base duplicated (G; older notation c.7450dupG).
Protein change: p.Val2484fs; shifts the reading frame from valine 2484.
Molecular consequence: frameshift variant. On other transcripts: intron variant (2).
Genome position (GRCh38, 1-based): chr11:108,330,356, G duplicated; the last of 3 consecutive G bases (chr11:108,330,354-108,330,356); duplicating any one gives the same sequence. VCF-style (leftmost placement, unchanged base first): chr11-108330353-T-TG. GRCh37 (hg19) VCF-style: chr11-108201080-T-TG.
Other names: c.7450dup, p.Val2484fs (NM_001351834.2); c.641-21283dup (NM_001330368.2); c.*38+4866dup (NM_001351110.2); c.7450dupG (NM_000051.3); short protein forms V2484fs.
Identifiers: ClinVar variation 2828341 (VCV002828341.4), dbSNP rs2547263342, ClinGen allele CA2739266044.

ClinVar aggregate classification (germline): Pathogenic. Review status: criteria provided, multiple submitters, no conflicts (2 of 4 stars). 3 submissions from 3 submitters: Pathogenic (3). Last evaluated 2025-12-04.

Conditions:
Ataxia-telangiectasia syndrome (AT). Also called: LOUIS-BAR SYNDROME; Cerebello-oculocutaneous telangiectasia; Immunodeficiency with ataxia telangiectasia; Ataxia telangiectasia (A-T); Ataxia-telangiectasia, complementation group D; AT, COMPLEMENTATION GROUP C. Identifiers: Orphanet 100, MedGen C0004135, MONDO:0008840, OMIM 208900.
Familial cancer of breast. Also called: BREAST CANCER, FAMILIAL; Hereditary breast cancer; hereditary breast carcinoma. Identifiers: Orphanet 227535, MedGen C0346153, MONDO:0016419, OMIM 114480. Disease mechanism: loss of function.
Hereditary cancer-predisposing syndrome. Also called: Tumor predisposition; Neoplastic Syndromes, Hereditary; Hereditary Cancer Syndrome; Hereditary neoplastic syndrome. Identifiers: Orphanet 140162, MedGen C0027672, MeSH D009386, MONDO:0015356.

Submissions (3):

Ambry Genetics
Classification: Pathogenic for Hereditary cancer-predisposing syndrome. Last evaluated: 2025-12-04. Review status: criteria provided, single submitter. Criteria: Ambry Variant Classification Scheme 2023. Collection method: clinical testing. Allele origin: germline.
Comment: The c.7450dupG variant, located in coding exon 49 of the ATM gene, results from a duplication of G at nucleotide position 7450, causing a translational frameshift with a predicted alternate stop codon (p.V2484Gfs*10). This variant is considered to be rare based on population cohorts in the Genome Aggregation Database (gnomAD). This alteration is expected to result in loss of function by premature protein truncation or nonsense-mediated mRNA decay. As such, this alteration is interpreted as a disease-causing mutation.

Myriad Genetics, Inc.
Classification: Pathogenic for Familial cancer of breast. Last evaluated: 2024-01-31. Review status: criteria provided, single submitter. Criteria: Myriad Autosomal Dominant, Autosomal Recessive and X-Linked Classification Criteria (2023). Collection method: clinical testing. Allele origin: unknown.
Comment: This variant is considered pathogenic. This variant creates a frameshift predicted to result in premature protein truncation.

Labcorp Genetics (formerly Invitae), Labcorp
Classification: Pathogenic for Ataxia-telangiectasia syndrome. Last evaluated: 2023-01-14. Review status: criteria provided, single submitter. Criteria: Invitae Variant Classification Sherloc (09022015). Collection method: clinical testing. Allele origin: germline.
Comment: For these reasons, this variant has been classified as Pathogenic. Algorithms developed to predict the effect of sequence changes on RNA splicing suggest that this variant may disrupt the consensus splice site. This variant has not been reported in the literature in individuals affected with ATM-related conditions. This variant is not present in population databases (gnomAD no frequency). This sequence change creates a premature translational stop signal (p.Val2484Glyfs*10) in the ATM gene. It is expected to result in an absent or disrupted protein product. Loss-of-function variants in ATM are known to be pathogenic (PMID: 23807571, 25614872).

Literature cited by the submitters: PubMed 23807571 (cited by Labcorp Genetics (formerly Invitae), Labcorp); PubMed 25614872 (cited by Labcorp Genetics (formerly Invitae), Labcorp).